The following is an entry in ClinVar:

NM_001205293.3(CACNA1E):c.6721G>A (p.Ala2241Thr)

Gene: CACNA1E (calcium voltage-gated channel subunit alpha1 E; plus strand). Cytogenetic location: 1q25.3.
Variant type: single nucleotide variant.
Coding change: c.6721G>A on transcript NM_001205293.3 (MANE Select); coding-DNA position 6721, G replaced by A.
Protein change: p.Ala2241Thr; replaces alanine 2241 with threonine.
Molecular consequence: missense variant.
Genome position (GRCh38, 1-based): chr1:181,798,613, G>A. VCF-style: chr1-181798613-G-A. GRCh37 (hg19) VCF-style: chr1-181767749-G-A.
Other names: c.6721G>A (NM_001205293.1); c.6592G>A, p.Ala2198Thr (NM_000721.4); c.6535G>A, p.Ala2179Thr (NM_001205294.2); short protein forms A2179T, A2198T, A2241T.
Identifiers: ClinVar variation 1248984 (VCV001248984.14), dbSNP rs202118773, ClinGen allele CA1276482.

ClinVar aggregate classification (germline): Benign/Likely benign. Review status: criteria provided, multiple submitters, no conflicts (2 of 4 stars). 6 submissions from 6 submitters: Benign (3); Likely benign (2). 1 of the submissions does not count toward it. Last evaluated 2025-10-15.

Conditions:
Inborn genetic diseases. Identifiers: MedGen C0950123, MeSH D030342.
CACNA1E-related disorder. Also called: CACNA1E-related condition.
Developmental and epileptic encephalopathy, 69. Also called: EPILEPTIC ENCEPHALOPATHY, EARLY INFANTILE, 69. Identifiers: MedGen C4748988, MONDO:0032657, OMIM 618285.

Allele frequency attached by ClinVar (database versions not stated): TOPMed 0.00014; gnomAD 0.00015 and 0.00024; ESP Exome Variant Server 0.00016; gnomAD exomes 0.00018 and 0.00041; 1000 Genomes Project 0.00040; ExAC 0.00052; 1000 Genomes Project 30x 0.00062.
gnomAD v4.1: 303 of 1,612,992 alleles (0.019%); highest among the groups gnomAD compares: South Asian, 0.27%; 2 homozygotes.

Submissions (6):

Labcorp Genetics (formerly Invitae), Labcorp
Classification: Benign. Last evaluated: 2025-10-15. Review status: criteria provided, single submitter. Criteria: Invitae Variant Classification Sherloc (09022015). Collection method: clinical testing. Allele origin: germline.

Blueprint Genetics
Classification: Likely benign. Last evaluated: 2024-10-28. Review status: criteria provided, single submitter. Criteria: ACMG Guidelines, 2015. Collection method: clinical testing. Allele origin: germline.

Ambry Genetics
Classification: Likely benign for Inborn genetic diseases. Last evaluated: 2024-10-02. Review status: criteria provided, single submitter. Criteria: Ambry Variant Classification Scheme 2023. Collection method: clinical testing. Allele origin: germline.

Genome-Nilou Lab
Classification: Benign for Developmental and epileptic encephalopathy, 69. Last evaluated: 2023-04-11. Review status: criteria provided, single submitter. Criteria: ACMG Guidelines, 2015. Collection method: clinical testing. Allele origin: germline. Affected: no.

GeneDx
Classification: Benign. Last evaluated: 2021-03-30. Review status: criteria provided, single submitter. Criteria: GeneDx Variant Classification Process June 2021. Collection method: clinical testing. Allele origin: germline. Affected: yes.

PreventionGenetics, part of Exact Sciences
Classification: Likely benign for CACNA1E-related condition. Last evaluated: 2019-11-01. Review status: no assertion criteria provided. Collection method: clinical testing. Allele origin: germline. Not counted in ClinVar's aggregate classification.
Comment: This variant is classified as likely benign based on ACMG/AMP sequence variant interpretation guidelines (Richards et al. 2015 PMID: 25741868, with internal and published modifications).